The following is an entry in ClinVar:

NM_001267550.2(TTN):c.50998A>G (p.Arg17000Gly)

Genes: TTN (titin; minus strand), TTN-AS1 (TTN antisense RNA 1; plus strand). Cytogenetic location: 2q31.2.
Variant type: single nucleotide variant.
Coding change: c.50998A>G on transcript NM_001267550.2 (MANE Select); coding-DNA position 50998, A replaced by G.
Protein change: p.Arg17000Gly; replaces arginine 17000 with glycine.
Molecular consequence: missense variant.
Genome position (GRCh38, 1-based): chr2:178,611,131, T>C on the plus strand (A>G on the coding strand, the complement: TTN is on the minus strand). VCF-style: chr2-178611131-T-C. GRCh37 (hg19) VCF-style: chr2-179475858-T-C.
Other names: c.46075A>G, p.Arg15359Gly (NM_001256850.1); c.23803A>G, p.Arg7935Gly (NM_003319.4); c.43294A>G, p.Arg14432Gly (NM_133378.4); c.24178A>G, p.Arg8060Gly (NM_133432.3); c.24379A>G, p.Arg8127Gly (NM_133437.4); short protein forms R14432G, R15359G, R17000G, R7935G, R8060G, R8127G.
Identifiers: ClinVar variation 1309542 (VCV001309542.2), dbSNP rs1488377419, ClinGen allele CA349589914.

ClinVar aggregate classification (germline): Uncertain significance (1 of 4 stars; one submission).

Allele frequency attached by ClinVar (database versions not stated): gnomAD 0.00001; TOPMed 0.00001.
gnomAD v4.1: 1 of 1,612,742 alleles (0.000062%); highest among the groups gnomAD compares: African/African-American, 0.0013%; no homozygotes.

Submission:

GeneDx
Classification: Uncertain significance. Last evaluated: 2019-10-21. Review status: criteria provided, single submitter. Criteria: GeneDx Variant Classification Process June 2021. Collection method: clinical testing. Allele origin: germline. Affected: yes.
Comment: Not observed in large population cohorts (Lek et al., 2016); Missense variant in a gene in which most reported pathogenic variants are truncating/loss-of-function; Has not been previously published as pathogenic or benign to our knowledge